The following is an entry in ClinVar:

NM_001164665.2(KIAA1549):c.4302G>A (p.Pro1434=)

Gene: KIAA1549 (KIAA1549; minus strand). Cytogenetic location: 7q34.
Variant type: single nucleotide variant.
Coding change: c.4302G>A on transcript NM_001164665.2 (MANE Select); coding-DNA position 4302, G replaced by A.
Protein change: p.Pro1434=; no amino-acid change (proline 1434 retained).
Molecular consequence: synonymous variant.
Genome position (GRCh38, 1-based): chr7:138,879,581, C>T on the plus strand (G>A on the coding strand, the complement: KIAA1549 is on the minus strand). VCF-style: chr7-138879581-C-T. GRCh37 (hg19) VCF-style: chr7-138564327-C-T.
Other names: c.4302G>A, p.Pro1434= (NM_020910.3); c.4302G>A (NM_001164665.1).
Identifiers: ClinVar variation 2192421 (VCV002192421.7), dbSNP rs748841862, ClinGen allele CA4505949.

ClinVar aggregate classification (germline): Likely benign. Review status: criteria provided, multiple submitters, no conflicts (2 of 4 stars). 3 submissions from 3 submitters: Likely benign (2). 1 of the submissions does not count toward it. Last evaluated 2025-04-11.

Conditions:
KIAA1549-related disorder. Also called: KIAA1549-related condition.

Allele frequency attached by ClinVar (database versions not stated): gnomAD 0.00001; gnomAD exomes 0.00003; ExAC 0.00004; TOPMed 0.00004.
gnomAD v4.1: 49 of 1,569,436 alleles (0.0031%); highest among the groups gnomAD compares: Admixed American, 0.0074%; no homozygotes.

Submissions (3):

Labcorp Genetics (formerly Invitae), Labcorp
Classification: Likely benign. Last evaluated: 2025-04-11. Review status: criteria provided, single submitter. Criteria: Invitae Variant Classification Sherloc (09022015). Collection method: clinical testing. Allele origin: germline.

Blueprint Genetics
Classification: Likely benign. Last evaluated: 2024-09-27. Review status: criteria provided, single submitter. Criteria: ACMG Guidelines, 2015. Collection method: clinical testing. Allele origin: germline.

PreventionGenetics, part of Exact Sciences
Classification: Likely benign for KIAA1549-related condition. Last evaluated: 2019-09-13. Review status: no assertion criteria provided. Collection method: clinical testing. Allele origin: germline. Not counted in ClinVar's aggregate classification.
Comment: This variant is classified as likely benign based on ACMG/AMP sequence variant interpretation guidelines (Richards et al. 2015 PMID: 25741868, with internal and published modifications).